The following is an entry in ClinVar:

NM_000051.4(ATM):c.7786G>A (p.Glu2596Lys)

Genes: ATM (ATM serine/threonine kinase; plus strand), C11orf65 (chromosome 11 open reading frame 65; minus strand). Cytogenetic location: 11q22.3.
Variant type: single nucleotide variant.
Coding change: c.7786G>A on transcript NM_000051.4 (MANE Select); coding-DNA position 7786, G replaced by A.
Protein change: p.Glu2596Lys; replaces glutamic acid 2596 with lysine.
Molecular consequence: missense variant. On other transcripts: intron variant (2).
Genome position (GRCh38, 1-based): chr11:108,332,035, G>A. VCF-style: chr11-108332035-G-A. GRCh37 (hg19) VCF-style: chr11-108202762-G-A.
Other names: c.7786G>A, p.Glu2596Lys (NM_001351834.2); c.641-22964C>T (NM_001330368.2); c.*38+3185C>T (NM_001351110.2); short protein forms E2596K.
Identifiers: ClinVar variation 453702 (VCV000453702.20), dbSNP rs1555124747, ClinGen allele CA382561218.

ClinVar aggregate classification (germline): Uncertain significance. Review status: criteria provided, multiple submitters, no conflicts (2 of 4 stars). 7 submissions from 7 submitters: Uncertain significance (6). 1 of the submissions does not count toward it. Last evaluated 2026-09-14.

Conditions:
ATM-related cancer predisposition. Also called: ATM-related cancer susceptibility. Identifiers: MedGen CN377759, MONDO:0700270.
Hereditary cancer-predisposing syndrome. Also called: Neoplastic Syndromes, Hereditary; Hereditary Cancer Syndrome; Tumor predisposition; Hereditary neoplastic syndrome. Identifiers: Orphanet 140162, MedGen C0027672, MeSH D009386, MONDO:0015356.
Ataxia-telangiectasia syndrome (AT). Also called: LOUIS-BAR SYNDROME; Cerebello-oculocutaneous telangiectasia; Immunodeficiency with ataxia telangiectasia; Ataxia-telangiectasia, complementation group D; AT, COMPLEMENTATION GROUP C; Ataxia-telangiectasia, complementation group E. Identifiers: Orphanet 100, MedGen C0004135, MONDO:0008840, OMIM 208900.

Allele frequency attached by ClinVar (database versions not stated): gnomAD exomes below 0.00001.
gnomAD v4.1: 1 of 1,613,596 alleles (0.000062%); highest among the groups gnomAD compares: Non-Finnish European, 0.000085%; no homozygotes.

Submissions (7):

Hema, HEMA – Genetic and Molecular Diagnostic Laboratory
Classification: Uncertain significance for ATM-related cancer predisposition. Last evaluated: 2026-09-14. Review status: criteria provided, single submitter. Criteria: HEMA Variant Classification Assertion Criteria. Collection method: clinical testing. Allele origin: germline.
Comment: The c.7786G>A p.(Glu2596Lys) variant is a transition from guanine to adenine, resulting in the substitution of glutamic acid 2596 by lysine in the ATM protein. PM2_Supporting: Present at very low frequency in gnomAD. BP4: The computational meta-predictor REVEL score = 0.179 ≤ 0.249, indicating that the variant is not likely to have an effect on the ATM protein.

Labcorp Genetics (formerly Invitae), Labcorp
Classification: Uncertain significance for Ataxia-telangiectasia syndrome. Last evaluated: 2025-11-05. Review status: criteria provided, single submitter. Criteria: Invitae Variant Classification Sherloc (09022015). Collection method: clinical testing. Allele origin: germline.
Comment: This sequence change replaces glutamic acid, which is acidic and polar, with lysine, which is basic and polar, at codon 2596 of the ATM protein (p.Glu2596Lys). This variant is not present in population databases (gnomAD no frequency). This variant has not been reported in the literature in individuals affected with ATM-related conditions. ClinVar contains an entry for this variant (Variation ID: 453702). An algorithm developed to predict the effect of missense changes on protein structure and function (PolyPhen-2) suggests that this variant is likely to be tolerated. In summary, the available evidence is currently insufficient to determine the role of this variant in disease. Therefore, it has been classified as a Variant of Uncertain Significance.

Ambry Genetics
Classification: Uncertain significance for Hereditary cancer-predisposing syndrome. Last evaluated: 2025-09-05. Review status: criteria provided, single submitter. Criteria: Ambry Variant Classification Scheme 2023. Collection method: clinical testing. Allele origin: germline.
Comment: The p.E2596K variant (also known as c.7786G>A), located in coding exon 51 of the ATM gene, results from a G to A substitution at nucleotide position 7786. The glutamic acid at codon 2596 is replaced by lysine, an amino acid with similar properties. This amino acid position is well conserved in available vertebrate species. In addition, this alteration is predicted to be tolerated by in silico analysis. Based on the available evidence, the clinical significance of this variant remains unclear.

Women's Health and Genetics/Laboratory Corporation of America, LabCorp
Classification: Uncertain significance. Last evaluated: 2024-02-16. Review status: criteria provided, single submitter. Criteria: LabCorp Variant Classification Summary - May 2015. Collection method: clinical testing. Allele origin: germline.

Sema4
Classification: Uncertain significance for Hereditary cancer-predisposing syndrome. Last evaluated: 2021-10-26. Review status: criteria provided, single submitter. Criteria: Sema4 Curation Guidelines. Collection method: curation. Allele origin: germline.
Comment: The ATM c.7786G>A (p.E2596K) variant has not been reported in the literature to our knowledge. It was not observed in the large and broad cohorts of the Genome Aggregation Database (PMID: 32461654). This variant has been reported in ClinVar (Variation ID 453702). Functional studies have not been performed, and in silico predictions of the variant's effect on protein function are inconclusive. The evidence is insufficient to meet ACMG/AMP criteria for classifying the variant as benign or pathogenic. Thus, the clinical significance of this variant is currently uncertain.

Color Diagnostics, LLC DBA Color Health
Classification: Uncertain significance for Hereditary cancer-predisposing syndrome. Last evaluated: 2021-07-07. Review status: criteria provided, single submitter. Criteria: ACMG Guidelines, 2015. Collection method: clinical testing. Allele origin: germline.
Comment: This missense variant replaces glutamic acid with lysine at codon 2596 of the ATM protein. Computational prediction suggests that this variant may not impact protein structure and function (internally defined REVEL score threshold <= 0.5, PMID: 27666373). To our knowledge, functional studies have not been reported for this variant. This variant has not been reported in individuals affected with hereditary cancer in the literature. This variant has not been identified in the general population by the Genome Aggregation Database (gnomAD). The available evidence is insufficient to determine the role of this variant in disease conclusively. Therefore, this variant is classified as a Variant of Uncertain Significance.

Natera, Inc.
Classification: Uncertain significance for Ataxia-telangiectasia. Last evaluated: 2025-03-31. Review status: no assertion criteria provided. Collection method: clinical testing. Allele origin: germline. Not counted in ClinVar's aggregate classification.